The following is an entry in ClinVar:

ClinVar aggregate classification (germline): Pathogenic/Likely pathogenic. Review status: criteria provided, multiple submitters, no conflicts (2 of 4 stars). 4 submissions from 4 submitters: Pathogenic (2); Likely pathogenic (2). Last evaluated 2025-05-11.

Conditions:
Hereditary cancer-predisposing syndrome. Also called: Hereditary neoplastic syndrome; Tumor predisposition; Neoplastic Syndromes, Hereditary; Hereditary Cancer Syndrome. Identifiers: Orphanet 140162, MedGen C0027672, MeSH D009386, MONDO:0015356.
Hereditary breast ovarian cancer syndrome. Also called: Hereditary breast and ovarian cancer syndrome; Breast and ovarian cancer; Hereditary breast and ovarian cancer; Hereditary breast and/or ovarian cancer syndrome; Hereditary breast and ovarian cancer syndrome (HBOC); BRCA1- and BRCA2-Associated Hereditary Breast and Ovarian Cancer. Identifiers: Orphanet 145, MedGen C0677776, MeSH D061325, MONDO:0003582. Disease mechanism: loss of function.
Familial cancer of breast. Also called: hereditary breast carcinoma; BREAST CANCER, FAMILIAL; Hereditary breast cancer. Identifiers: Orphanet 227535, MedGen C0346153, MONDO:0016419, OMIM 114480. Disease mechanism: loss of function.

Submissions (4):

Labcorp Genetics (formerly Invitae), Labcorp
Classification: Pathogenic for Hereditary breast ovarian cancer syndrome. Last evaluated: 2025-05-11. Review status: criteria provided, single submitter. Criteria: Invitae Variant Classification Sherloc (09022015). Collection method: clinical testing. Allele origin: germline.
Comment: This sequence change affects a splice site in intron 23 of the BRCA2 gene. RNA analysis indicates that disruption of this splice site induces altered splicing and may result in an absent or altered protein product. Information on the frequency of this variant in the gnomAD database is not available, as this variant may be reported differently in the database. This variant has not been reported in the literature in individuals affected with BRCA2-related conditions. ClinVar contains an entry for this variant (Variation ID: 571755). Studies have shown that disruption of this splice site results in skipping of exon 23, and produces a non-functional protein and/or introduces a premature termination codon (PMID: 10449599, 22632462; internal data). For these reasons, this variant has been classified as Pathogenic.

Ambry Genetics
Classification: Likely pathogenic for Hereditary cancer-predisposing syndrome. Last evaluated: 2024-12-16. Review status: criteria provided, single submitter. Criteria: Ambry Variant Classification Scheme 2023. Collection method: clinical testing. Allele origin: germline.
Comment: The c.9117+1_9117+2delGTinsTC intronic variant, located in intron 22 of the BRCA2 gene, results from an in-frame from the deletion of two nucleotides and the insertion of two nucleotides one nucleotide after coding exon 22 of the BRCA2 gene. These nucleotide positions are highly conserved in available vertebrate species. In silico splice site analysis predicts that this alteration may weaken the native splice donor site. Alterations that disrupt the canonical splice site are expected to cause aberrant splicing, resulting in an abnormal protein or a transcript that is subject to nonsense-mediated mRNA decay. As such, this alteration is classified as likely pathogenic.

Baylor Genetics
Classification: Likely pathogenic for Familial cancer of breast. Last evaluated: 2023-02-21. Review status: criteria provided, single submitter. Criteria: ACMG Guidelines, 2015. Collection method: clinical testing. Allele origin: unknown.

Quest Diagnostics Nichols Institute San Juan Capistrano
Classification: Pathogenic. Last evaluated: 2018-05-18. Review status: criteria provided, single submitter. Criteria: Quest Diagnostics criteria. Collection method: clinical testing. Allele origin: germline.

Literature cited by the submitters: PubMed 10449599 (cited by Labcorp Genetics (formerly Invitae), Labcorp); PubMed 22632462 (cited by Labcorp Genetics (formerly Invitae), Labcorp).

NM_000059.4(BRCA2):c.9117+1_9117+2delinsTC

Gene: BRCA2 (BRCA2 DNA repair associated; plus strand). Cytogenetic location: 13q13.1.
Variant type: Indel.
Coding change: c.9117+1_9117+2delinsTC on transcript NM_000059.4 (MANE Select); the canonical splice donor site of the intron after coding-DNA position 9117, GT replaced by TC.
Genome position (GRCh38, 1-based): chr13:32,379,914-32,379,915, GT replaced by TC. VCF-style: chr13-32379914-GT-TC. GRCh37 (hg19) VCF-style: chr13-32954051-GT-TC.
Other names: c.9117+1_9117+2delinsTC (LRG_293t1); c.9117+1_9117+2delGTinsTC (NM_000059.3).
Identifiers: ClinVar variation 571755 (VCV000571755.12), dbSNP rs1566253399, ClinGen allele CA891843582.
Genomic context (GRCh38, chr13:32,379,914, plus strand): 5'-TCTGAAAGAGCTAACATACAGTTAGCAGCGACAAAAAAAACTCAGTATCAACAACTACCG[GT>TC]ACAAACCTTTCATTGTAATTTTTCAGTTTTGATAAGTGCTTGTTAGTTTATGGAATCTCC-3'